The following is an entry in ClinVar:

ClinVar aggregate classification (germline): Uncertain significance. Review status: criteria provided, multiple submitters, no conflicts (2 of 4 stars). 3 submissions from 3 submitters: Uncertain significance (3). Last evaluated 2024-09-26.

Allele frequency attached by ClinVar (database versions not stated): gnomAD exomes below 0.00001; TOPMed 0.00001.
gnomAD v4.1: 2 of 1,614,118 alleles (0.00012%); highest among the groups gnomAD compares: African/African-American, 0.0027%; no homozygotes.

Submissions (3):

GeneDx
Classification: Uncertain significance. Last evaluated: 2024-09-26. Review status: criteria provided, single submitter. Criteria: GeneDx Variant Classification Process June 2021. Collection method: clinical testing. Allele origin: germline. Affected: yes.
Comment: Not observed at significant frequency in large population cohorts (gnomAD); In silico analysis supports that this missense variant has a deleterious effect on protein structure/function; Has not been previously published as pathogenic or benign to our knowledge

Blueprint Genetics
Classification: Uncertain significance. Last evaluated: 2022-01-17. Review status: criteria provided, single submitter. Criteria: ACMG Guidelines, 2015. Collection method: clinical testing. Allele origin: germline.

Labcorp Genetics (formerly Invitae), Labcorp
Classification: Uncertain significance. Last evaluated: 2021-08-14. Review status: criteria provided, single submitter. Criteria: Invitae Variant Classification Sherloc (09022015). Collection method: clinical testing. Allele origin: germline.
Comment: This sequence change replaces alanine with proline at codon 3584 of the USH2A protein (p.Ala3584Pro). The alanine residue is highly conserved and there is a small physicochemical difference between alanine and proline. This variant is not present in population databases (ExAC no frequency). This variant has not been reported in the literature in individuals affected with USH2A-related conditions. Algorithms developed to predict the effect of missense changes on protein structure and function are either unavailable or do not agree on the potential impact of this missense change (SIFT: "Deleterious"; PolyPhen-2: "Possibly Damaging"; Align-GVGD: "Class C0"). In summary, the available evidence is currently insufficient to determine the role of this variant in disease. Therefore, it has been classified as a Variant of Uncertain Significance.

NM_206933.4(USH2A):c.10750G>C (p.Ala3584Pro)

Gene: USH2A (usherin; minus strand). Cytogenetic location: 1q41.
Variant type: single nucleotide variant.
Coding change: c.10750G>C on transcript NM_206933.4 (MANE Select); coding-DNA position 10750, G replaced by C.
Protein change: p.Ala3584Pro; replaces alanine 3584 with proline.
Molecular consequence: missense variant.
Genome position (GRCh38, 1-based): chr1:215,780,032, C>G on the plus strand (G>C on the coding strand, the complement: USH2A is on the minus strand). VCF-style: chr1-215780032-C-G. GRCh37 (hg19) VCF-style: chr1-215953374-C-G.
Other names: c.10750G>C (NM_206933.2); short protein forms A3584P.
Identifiers: ClinVar variation 1355891 (VCV001355891.7), dbSNP rs1167594983, ClinGen allele CA344834462.